The following is an entry in ClinVar:

ClinVar aggregate classification (germline): Uncertain significance (1 of 4 stars; one submission).

Conditions:
Neurofibromatosis, type 1 (NF1). Also called: VON RECKLINGHAUSEN DISEASE; Peripheral type neurofibromatosis; Neurofibromatosis, type I; NEUROFIBROMATOSIS, TYPE I, SOMATIC. Identifiers: Orphanet 636, MedGen C0027831, MONDO:0018975, OMIM 162200. Disease mechanism: loss of function.

Allele frequency attached by ClinVar (database versions not stated): gnomAD exomes below 0.00001.
gnomAD v4.1: 1 of 1,614,088 alleles (0.000062%); highest among the groups gnomAD compares: East Asian, 0.0022%; no homozygotes.

Submission:

Labcorp Genetics (formerly Invitae), Labcorp
Classification: Uncertain significance for Neurofibromatosis, type 1. Last evaluated: 2021-09-18. Review status: criteria provided, single submitter. Criteria: Invitae Variant Classification Sherloc (09022015). Collection method: clinical testing. Allele origin: germline.
Comment: This sequence change replaces glutamine with glutamic acid at codon 347 of the NF1 protein (p.Gln347Glu). The glutamine residue is highly conserved and there is a small physicochemical difference between glutamine and glutamic acid. This variant is not present in population databases (ExAC no frequency). This variant has not been reported in the literature in individuals affected with NF1-related conditions. Algorithms developed to predict the effect of missense changes on protein structure and function are either unavailable or do not agree on the potential impact of this missense change (SIFT: "Tolerated"; PolyPhen-2: "Possibly Damaging"; Align-GVGD: "Class C0"). In summary, the available evidence is currently insufficient to determine the role of this variant in disease. Therefore, it has been classified as a Variant of Uncertain Significance.

NM_001042492.3(NF1):c.1039C>G (p.Gln347Glu)

Gene: NF1 (neurofibromin 1; plus strand). Cytogenetic location: 17q11.2.
Variant type: single nucleotide variant.
Coding change: c.1039C>G on transcript NM_001042492.3 (MANE Select); coding-DNA position 1039, C replaced by G.
Protein change: p.Gln347Glu; replaces glutamine 347 with glutamic acid.
Molecular consequence: missense variant.
Genome position (GRCh38, 1-based): chr17:31,200,572, C>G. VCF-style: chr17-31200572-C-G. GRCh37 (hg19) VCF-style: chr17-29527590-C-G.
Other names: c.1039C>G, p.Gln347Glu (NM_000267.4, NM_001128147.3); short protein forms Q347E.
Identifiers: ClinVar variation 1381907 (VCV001381907.6), dbSNP rs1555610910, ClinGen allele CA398996435.